The following is an entry in ClinVar:

ClinVar aggregate classification (germline): Conflicting classifications of pathogenicity. Review status: criteria provided, conflicting classifications (1 of 4 stars). 4 submissions from 4 submitters: Uncertain significance (3); Likely benign (1). Last evaluated 2026-01-12.

Conditions:
Orofaciodigital syndrome type 6 (OFD6). Also called: OROFACIODIGITAL SYNDROME VI; OFDS VI; POLYDACTYLY, CLEFT LIP/PALATE OR LINGUAL LUMP, AND PSYCHOMOTOR RETARDATION; VARADI SYNDROME; VARADI-PAPP SYNDROME; Oral-facial-digital syndrome type 6. Identifiers: Orphanet 2754, MedGen C2745997, MONDO:0010176, OMIM 277170.
Joubert syndrome 17 (JBTS17). Identifiers: Orphanet 475, MedGen C3553264, MONDO:0013824, OMIM 614615.

Allele frequency attached by ClinVar (database versions not stated): gnomAD exomes 0.00007 and 0.00012; ExAC 0.00028; 1000 Genomes Project 0.00040; gnomAD 0.00053 and 0.00057; TOPMed 0.00067; 1000 Genomes Project 30x 0.00109.
gnomAD v4.1: 177 of 1,548,412 alleles (0.011%); highest among the groups gnomAD compares: African/African-American, 0.17%; no homozygotes.

Submissions (4):

Labcorp Genetics (formerly Invitae), Labcorp
Classification: Uncertain significance. Last evaluated: 2026-01-12. Review status: criteria provided, single submitter. Criteria: Invitae Variant Classification Sherloc (09022015). Collection method: clinical testing. Allele origin: germline.
Comment: This sequence change replaces asparagine, which is neutral and polar, with serine, which is neutral and polar, at codon 952 of the CPLANE1 protein (p.Asn952Ser). This variant is present in population databases (rs554483416, gnomAD 0.1%). This variant has not been reported in the literature in individuals affected with CPLANE1-related conditions. ClinVar contains an entry for this variant (Variation ID: 569892). Invitae Evidence Modeling of protein sequence and biophysical properties (such as structural, functional, and spatial information, amino acid conservation, physicochemical variation, residue mobility, and thermodynamic stability) has been performed for this missense variant. However, the output from this modeling did not meet the statistical confidence thresholds required to predict the impact of this variant on CPLANE1 protein function. In summary, the available evidence is currently insufficient to determine the role of this variant in disease. Therefore, it has been classified as a Variant of Uncertain Significance.

Blueprint Genetics
Classification: Likely benign. Last evaluated: 2024-02-16. Review status: criteria provided, single submitter. Criteria: ACMG Guidelines, 2015. Collection method: clinical testing. Allele origin: germline.

Fulgent Genetics
Classification: Uncertain significance for Orofaciodigital syndrome type 6; Joubert syndrome 17. Last evaluated: 2022-05-10. Review status: criteria provided, single submitter. Criteria: ACMG Guidelines, 2015. Collection method: clinical testing. Allele origin: unknown.

GeneDx
Classification: Uncertain significance. Last evaluated: 2021-06-02. Review status: criteria provided, single submitter. Criteria: GeneDx Variant Classification Process June 2021. Collection method: clinical testing. Allele origin: germline. Affected: yes.

NM_001384732.1(CPLANE1):c.2855A>G (p.Asn952Ser)

Gene: CPLANE1 (ciliogenesis and planar polarity effector complex subunit 1; minus strand). Cytogenetic location: 5p13.2.
Variant type: single nucleotide variant.
Coding change: c.2855A>G on transcript NM_001384732.1 (MANE Select); coding-DNA position 2855, A replaced by G.
Protein change: p.Asn952Ser; replaces asparagine 952 with serine.
Molecular consequence: missense variant.
Genome position (GRCh38, 1-based): chr5:37,213,624, T>C on the plus strand (A>G on the coding strand, the complement: CPLANE1 is on the minus strand). VCF-style: chr5-37213624-T-C. GRCh37 (hg19) VCF-style: chr5-37213726-T-C.
Other names: c.2855A>G, p.Asn952Ser (NM_023073.4); short protein forms N952S.
Identifiers: ClinVar variation 569892 (VCV000569892.10), dbSNP rs554483416, ClinGen allele CA3239009.